The following is an entry in ClinVar:

NM_000059.4(BRCA2):c.5186A>G (p.Lys1729Arg)

Gene: BRCA2 (BRCA2 DNA repair associated; plus strand). Cytogenetic location: 13q13.1.
Variant type: single nucleotide variant.
Coding change: c.5186A>G on transcript NM_000059.4 (MANE Select); coding-DNA position 5186, A replaced by G.
Protein change: p.Lys1729Arg; replaces lysine 1729 with arginine.
Molecular consequence: missense variant.
Genome position (GRCh38, 1-based): chr13:32,339,541, A>G. VCF-style: chr13-32339541-A-G. GRCh37 (hg19) VCF-style: chr13-32913678-A-G.
Other names: short protein forms K1729R.
Identifiers: ClinVar variation 631012 (VCV000631012.8), dbSNP rs772860507, ClinGen allele CA387784565.

ClinVar aggregate classification (germline): Conflicting classifications of pathogenicity. Review status: criteria provided, conflicting classifications (1 of 4 stars). 2 submissions from 2 submitters: Uncertain significance (1); Likely benign (1). Last evaluated 2023-04-11.

Conditions:
Hereditary cancer-predisposing syndrome. Also called: Tumor predisposition; Neoplastic Syndromes, Hereditary; Hereditary neoplastic syndrome; Hereditary Cancer Syndrome. Identifiers: Orphanet 140162, MedGen C0027672, MeSH D009386, MONDO:0015356.

gnomAD v4.1: 1 of 1,605,352 alleles (0.000062%); highest among the groups gnomAD compares: Non-Finnish European, 0.000085%; no homozygotes.

Submissions (2):

Color Diagnostics, LLC DBA Color Health
Classification: Uncertain significance for Hereditary cancer-predisposing syndrome. Last evaluated: 2023-04-11. Review status: criteria provided, single submitter. Criteria: ACMG Guidelines, 2015. Collection method: clinical testing. Allele origin: germline.
Comment: This missense variant replaces lysine with arginine at codon 1729 of the BRCA2 protein. Computational prediction suggests that this variant may not impact protein structure and function (internally defined REVEL score threshold <= 0.5, PMID: 27666373). To our knowledge, functional studies have not been reported for this variant. This variant has been reported in a multifactorial analysis with co-occurrence and family history likelihood ratios for pathogenicity of 1.0246 and 0.231, respectively (PMID: 31131967). This variant has not been identified in the general population by the Genome Aggregation Database (gnomAD). The available evidence is insufficient to determine the role of this variant in disease conclusively. Therefore, this variant is classified as a Variant of Uncertain Significance.

University of Washington Department of Laboratory Medicine, University of Washington
Classification: Likely benign for Hereditary cancer-predisposing syndrome. Last evaluated: 2023-03-23. Review status: criteria provided, single submitter. Criteria: Dines et al. (Genet Med. 2020). Collection method: curation. Allele origin: germline.
Comment: Missense variant in a coldspot region where missense variants are very unlikely to be pathogenic (PMID:31911673).

BRCA2 exon 11 coldspot. Reclassification based on statistical prior probability.

Literature cited by the submitters: PubMed 31131967 (cited by Color Diagnostics, LLC DBA Color Health).